The following is an entry in ClinVar:

ClinVar aggregate classification (germline): Likely benign (1 of 4 stars; one submission).

Allele frequency attached by ClinVar (database versions not stated): gnomAD 0.01296 and 0.01393; TOPMed 0.01384; 1000 Genomes Project 0.01617; 1000 Genomes Project 30x 0.01671.
gnomAD v4.1: 1,959 of 152,220 alleles (1.3%); highest among the groups gnomAD compares: African/African-American, 4.5%; 53 homozygotes.

Submission:

GeneDx
Classification: Likely benign. Last evaluated: 2018-06-14. Review status: criteria provided, single submitter. Criteria: GeneDx Variant Classification (06012015). Collection method: clinical testing. Allele origin: germline. Affected: yes.
Comment: This variant is considered likely benign or benign based on one or more of the following criteria: it is a conservative change, it occurs at a poorly conserved position in the protein, it is predicted to be benign by multiple in silico algorithms, and/or has population frequency not consistent with disease.

NM_198904.4(GABRG2):c.107+223T>G

Gene: GABRG2 (gamma-aminobutyric acid type A receptor subunit gamma2; plus strand). Cytogenetic location: 5q34.
Variant type: single nucleotide variant.
Coding change: c.107+223T>G on transcript NM_198904.4 (MANE Select); 223 bases into the intron after coding-DNA position 107, T replaced by G.
Molecular consequence: intron variant.
Genome position (GRCh38, 1-based): chr5:162,068,329, T>G. VCF-style: chr5-162068329-T-G. GRCh37 (hg19) VCF-style: chr5-161495335-T-G.
Other names: c.107+223T>G (NM_000816.3, NM_001375343.1, NM_001375344.1 and 5 more transcripts); c.-300+223T>G (NM_001375349.1); c.-252+223T>G (NM_001375350.1, NM_001375348.1); c.41+223T>G (NM_001375346.1, NM_001375345.1); c.20+688T>G (NM_001375347.1).
Identifiers: ClinVar variation 680290 (VCV000680290.1), dbSNP rs149245576, ClinGen allele CA131108321.